The following is an entry in ClinVar:

ClinVar aggregate classification (germline): Likely benign. Review status: criteria provided, single submitter (1 of 4 stars). 2 submissions from 2 submitters: Likely benign (1). 1 of the submissions does not count toward it. Last evaluated 2022-12-15.

Conditions:
PRRT2-Related Disorder. Also called: PRRT2-related disorders. Identifiers: MedGen CN381059.
Episodic kinesigenic dyskinesia (EKD). Also called: Paroxysmal kinesigenic dyskinesia. Identifiers: Orphanet 98809, MedGen C1868682, MONDO:0044202.

Allele frequency attached by ClinVar (database versions not stated): gnomAD exomes below 0.00001; ExAC 0.00001.
gnomAD v4.1: 5 of 1,613,788 alleles (0.00031%); highest among the groups gnomAD compares: Admixed American, 0.0017%; no homozygotes.

Submissions (2):

Labcorp Genetics (formerly Invitae), Labcorp
Classification: Likely benign for Episodic kinesigenic dyskinesia. Last evaluated: 2022-12-15. Review status: criteria provided, single submitter. Criteria: Invitae Variant Classification Sherloc (09022015). Collection method: clinical testing. Allele origin: germline.

PreventionGenetics, part of Exact Sciences
Classification: Likely benign for PRRT2-related condition. Last evaluated: 2024-04-25. Review status: no assertion criteria provided. Collection method: clinical testing. Allele origin: germline. Not counted in ClinVar's aggregate classification.
Comment: This variant is classified as likely benign based on ACMG/AMP sequence variant interpretation guidelines (Richards et al. 2015 PMID: 25741868, with internal and published modifications).

NM_145239.3(PRRT2):c.498C>T (p.Pro166=)

Genes: MVP-DT (MVP divergent transcript; minus strand), PRRT2 (proline rich transmembrane protein 2; plus strand). Cytogenetic location: 16p11.2.
Variant type: single nucleotide variant.
Coding change: c.498C>T on transcript NM_145239.3 (MANE Select); coding-DNA position 498, C replaced by T.
Protein change: p.Pro166=; no amino-acid change (proline 166 retained).
Molecular consequence: synonymous variant.
Genome position (GRCh38, 1-based): chr16:29,813,552, C>T. VCF-style: chr16-29813552-C-T. GRCh37 (hg19) VCF-style: chr16-29824873-C-T.
Other names: c.498C>T (NM_001256442.1); c.498C>T, p.Pro166= (NM_001256442.2, NM_001256443.2).
Identifiers: ClinVar variation 1455602 (VCV001455602.9), dbSNP rs756252121, ClinGen allele CA7994538.